The following is an entry in ClinVar:

NM_000532.5(PCCB):c.64C>T (p.Arg22Cys)

Gene: PCCB (propionyl-CoA carboxylase subunit beta; plus strand). Cytogenetic location: 3q22.3.
Variant type: single nucleotide variant.
Coding change: c.64C>T on transcript NM_000532.5 (MANE Select); coding-DNA position 64, C replaced by T.
Protein change: p.Arg22Cys; replaces arginine 22 with cysteine.
Molecular consequence: missense variant.
Genome position (GRCh38, 1-based): chr3:136,250,439, C>T. VCF-style: chr3-136250439-C-T. GRCh37 (hg19) VCF-style: chr3-135969281-C-T.
Other names: c.64C>T, p.Arg22Cys (NM_001178014.2); short protein forms R22C.
Identifiers: ClinVar variation 1923282 (VCV001923282.2), dbSNP rs771117263, ClinGen allele CA2631563.
Genomic context (GRCh38, chr3:136,250,439, plus strand): 5'-GCGGCGGCATTACGGGTGGCGGCGGTCGGGGCAAGGCTCAGCGTTCTGGCGAGCGGTCTC[C>T]GCGCCGCGGTCCGCAGCCTTTGCAGCCAGGCCACCTCTGTTAACGAACGCATCGAAAACA-3'
Protein context (NP_000523.2, residues 12-32): ARLSVLASGL[Arg22Cys]AAVRSLCSQA

ClinVar aggregate classification (germline): Uncertain significance (1 of 4 stars; one submission).

Conditions:
Propionic acidemia (PROP). Also called: GLYCINEMIA, KETOTIC; HYPERGLYCINEMIA WITH KETOACIDOSIS AND LEUKOPENIA; KETOTIC HYPERGLYCINEMIA. Identifiers: Orphanet 35, MedGen C0268579, MONDO:0011628, OMIM 606054, HP:0003571.

Allele frequency attached by ClinVar (database versions not stated): TOPMed below 0.00001; gnomAD 0.00001.
gnomAD v4.1: 8 of 1,598,270 alleles (0.0005%); highest among the groups gnomAD compares: South Asian, 0.0045%; no homozygotes.

Submission:

Labcorp Genetics (formerly Invitae), Labcorp
Classification: Uncertain significance for Propionic acidemia. Last evaluated: 2022-07-29. Review status: criteria provided, single submitter. Criteria: Invitae Variant Classification Sherloc (09022015). Collection method: clinical testing. Allele origin: germline.
Comment: This sequence change replaces arginine, which is basic and polar, with cysteine, which is neutral and slightly polar, at codon 22 of the PCCB protein (p.Arg22Cys). This variant is present in population databases (rs771117263, gnomAD 0.007%). This variant has not been reported in the literature in individuals affected with PCCB-related conditions. Advanced modeling of protein sequence and biophysical properties (such as structural, functional, and spatial information, amino acid conservation, physicochemical variation, residue mobility, and thermodynamic stability) performed at Invitae indicates that this missense variant is not expected to disrupt PCCB protein function. In summary, the available evidence is currently insufficient to determine the role of this variant in disease. Therefore, it has been classified as a Variant of Uncertain Significance.